The following is an entry in ClinVar:

ClinVar aggregate classification (germline): Uncertain significance. Review status: criteria provided, multiple submitters, no conflicts (2 of 4 stars). 2 submissions from 2 submitters: Uncertain significance (2). Last evaluated 2026-09-01.

Submissions (2):

CeGaT Center for Human Genetics Tuebingen
Classification: Uncertain significance. Last evaluated: 2026-09-01. Review status: criteria provided, single submitter. Criteria: CeGaT Center For Human Genetics Tuebingen Variant Classification Criteria Version 2. Collection method: clinical testing. Allele origin: germline. Affected: yes. Observed: 1 variant allele.
Comment: TTN: PM2

Mayo Clinic Laboratories, Mayo Clinic
Classification: Uncertain significance. Last evaluated: 2024-08-28. Review status: criteria provided, single submitter. Criteria: ACMG Guidelines, 2015. Collection method: clinical testing. Allele origin: germline. Observed: 1 variant allele.
Comment: PM2

NM_001267550.2(TTN):c.100981A>G (p.Arg33661Gly)

Genes: TTN (titin; minus strand), TTN-AS1 (TTN antisense RNA 1; plus strand). Cytogenetic location: 2q31.2.
Variant type: single nucleotide variant.
Coding change: c.100981A>G on transcript NM_001267550.2 (MANE Select); coding-DNA position 100981, A replaced by G.
Protein change: p.Arg33661Gly; replaces arginine 33661 with glycine.
Molecular consequence: missense variant.
Genome position (GRCh38, 1-based): chr2:178,535,634, T>C on the plus strand (A>G on the coding strand, the complement: TTN is on the minus strand). VCF-style: chr2-178535634-T-C. GRCh37 (hg19) VCF-style: chr2-179400361-T-C.
Other names: p.Arg31093Gly; c.96058A>G, p.Arg32020Gly (NM_001256850.1); c.73786A>G, p.Arg24596Gly (NM_003319.4); c.93277A>G, p.Arg31093Gly (NM_133378.4); c.74161A>G, p.Arg24721Gly (NM_133432.3); c.74362A>G, p.Arg24788Gly (NM_133437.4); short protein forms R24596G, R24721G, R24788G, R31093G, R32020G, R33661G.
Identifiers: ClinVar variation 3380857 (VCV003380857.2).
Genomic context (GRCh38, chr2:178,535,634, plus strand): 5'-TCTTCTGATCAATTCCAAATCTGTTTTTAGCACAGACCACATAGAAACCAGCATCTTTTC[T>C]CTCTACCCCATTGGGGAAAACAAGTGATGTGAAGGATCTTGTGACAATAACTTGGTAGTG-3'
Protein context (NP_001254479.2, residues 33651-33671): TSLVFPNGVE[Arg33661Gly]KDAGFYVVCA